The following continues an entry in ClinVar:

NM_001048174.2(MUTYH):c.452A>G (p.Tyr151Cys)

Gene: MUTYH. ClinVar aggregate classification (germline): Pathogenic/Likely pathogenic. Pathogenic (52); Likely pathogenic (2).

Submissions 51 to 71 of 74:

Laboratory of Medical Genetics Unit, Bambino Gesù Children's Hospital
Classification: Pathogenic for Pilocytic astrocytoma. Review status: criteria provided, single submitter. Criteria: ACMG Guidelines, 2015. Collection method: research. Allele origin: germline. Affected: yes.
Comment: The variant c.536A>G (p.Tyr179Cys) in MUTYH gene (NM_001128425.2), as known rs34612342, is a very rare variant in gnomAD. It is annotated on Clinvar as Pathogenic/Likely pathogenic associated to Familial adenomatous polyposis 2 [RCV000005612.78] and Hereditary cancer-predisposing syndrome [RCV000115766.35]. The variant is reported in the literature and it is classified as a pathogenic variant following the ACMG criteria (PM3, PP1, PS3, PM2, PP3, PM1).

Laboratory of Medical Genetics Unit, Bambino Gesù Children's Hospital
Classification: Pathogenic for Dysembryoplastic neuroepithelial tumor. Review status: criteria provided, single submitter. Criteria: ACMG Guidelines, 2015. Collection method: research. Allele origin: germline. Affected: yes.
Comment: The variant c.527A>G (p.Tyr176Cys) in MUTYH gene (NM_012222.3), as known rs34612342, is a very rare variant in gnomAD. It is annotated on Clinvar as Pathogenic/Likely pathogenic associated to Familial adenomatous polyposis 2 [RCV000005612.78] and Hereditary cancer-predisposing syndrome [RCV000115766.35]. The variant is reported in the literature and it is classified as a pathogenic variant following the ACMG criteria (PM3, PP1, PS3, PM2, PP3, PM1).

Laboratory of Medical Genetics Unit, Bambino Gesù Children's Hospital
Classification: Pathogenic for Medulloblastoma. Review status: criteria provided, single submitter. Criteria: ACMG Guidelines, 2015. Collection method: research. Allele origin: germline. Affected: yes.
Comment: the same text as in the submission from Laboratory of Medical Genetics Unit, Bambino Gesù Children's Hospital above.

University Health Network, Familial Cancer Clinic, Princess Margaret Cancer Centre
Classification: Pathogenic for Classic or attenuated familial adenomatous polyposis. Review status: criteria provided, single submitter. Criteria: ACMG Guidelines, 2015. Collection method: clinical testing. Allele origin: germline. Inheritance: Autosomal recessive inheritance. Affected: yes and no. Observed: 2 variant alleles.

deCODE genetics, Amgen
Classification: Pathogenic for Familial adenomatous polyposis 2. Last evaluated: 2023-07-21. Review status: no assertion criteria provided. Collection method: research. Allele origin: germline. Affected: yes. Observed: 2 variant alleles. Not counted in ClinVar's aggregate classification.
Comment: The variant NM_001048174.2:c.452A>G (chr1:45332803) in MUTYH was detected in 236 heterozygotes and 2 homozygotes out of 58K WGS Icelanders (MAF= 0,2%). Following imputation in a set of 166K Icelanders (658 heterozygotes and 2 homozygotes) we observed an association with colorectal cancer under a recessive model using 4991 cases and 314812 controls (OR= 60.78, P= 3.57e-03). This variant has been reported in ClinVar previously as pathogenic/likely pathogenic. Based on ACMG criteria (PS3, PS4, PM2, PP5) this variant classifies as pathogenic.

Medical Genetics Laboratory, Umraniye Training and Research Hospital, University of Health Sciences
Classification: Likely pathogenic for Gastric cancer. Last evaluated: 2021-08-07. Review status: no assertion criteria provided. Collection method: clinical testing. Allele origin: germline. Affected: yes. Not counted in ClinVar's aggregate classification.
Comment: Invasive Ductal Carcinoma Estrogen Receptor: Negative Progesterone Receptor: Negative HER2 Receptor: Positive

True Health Diagnostics
Classification: Pathogenic for Hereditary cancer-predisposing syndrome. Last evaluated: 2017-12-08. Review status: no assertion criteria provided. Collection method: clinical testing. Allele origin: germline. Not counted in ClinVar's aggregate classification.

Counsyl
Classification: Pathogenic for Familial adenomatous polyposis 2. Last evaluated: 2015-05-26. Review status: no assertion criteria provided. Collection method: clinical testing. Allele origin: unknown. Not counted in ClinVar's aggregate classification.

Knight Diagnostic Laboratories, Oregon Health and Sciences University
Classification: Pathogenic for MYH-associated polyposis. Last evaluated: 2014-10-13. Review status: no assertion criteria provided. Criteria: ACMG Guidelines, 2007. Collection method: clinical testing. Allele origin: germline. Inheritance: Autosomal recessive inheritance. Affected: no. Not counted in ClinVar's aggregate classification.

Pathway Genomics
Classification: Pathogenic for Carcinoma of colon. Last evaluated: 2014-07-24. Review status: no assertion criteria provided. Collection method: clinical testing. Allele origin: germline. Not counted in ClinVar's aggregate classification.

ITMI
No classification provided. Condition: AllHighlyPenetrant. Last evaluated: 2013-09-19. Review status: no classification provided. Collection method: reference population. Allele origin: germline. Not counted in ClinVar's aggregate classification.
Comment: Please see associated publication for description of ethnicities

Biesecker Lab/Clinical Genomics Section, National Institutes of Health
Classification: Pathogenic for MYH-associated polyposis. Last evaluated: 2012-07-13. Review status: no assertion criteria provided. Collection method: research. Allele origin: germline. Affected: no. Observed: 2 variant alleles, 2 heterozygotes. Study: ClinSeq. Not counted in ClinVar's aggregate classification.
ClinVar note: Converted during submission from pathogenic to Pathogenic.

OMIM
Classification: Pathogenic for FAMILIAL ADENOMATOUS POLYPOSIS 2. Last evaluated: 2007-12-01. Review status: no assertion criteria provided. Collection method: literature only. Allele origin: unknown. Not counted in ClinVar's aggregate classification.

OMIM
Classification: Pathogenic for ENDOMETRIAL CANCER. Last evaluated: 2007-12-01. Review status: no assertion criteria provided. Collection method: literature only. Allele origin: unknown. Not counted in ClinVar's aggregate classification.

Clinical Genetics DNA and cytogenetics Diagnostics Lab, Erasmus MC, Erasmus Medical Center
Classification: Pathogenic. Review status: no assertion criteria provided. Collection method: clinical testing. Allele origin: germline. Affected: yes. Study: VKGL Data-share Consensus. Not counted in ClinVar's aggregate classification.

Clinical Genetics, Academic Medical Center
Classification: Pathogenic. Review status: no assertion criteria provided. Collection method: clinical testing. Allele origin: germline. Affected: yes. Study: VKGL Data-share Consensus. Not counted in ClinVar's aggregate classification.

Department of Pathology and Laboratory Medicine, Sinai Health System
Classification: Pathogenic for Carcinoma of colon. Review status: no assertion criteria provided. Collection method: clinical testing. Allele origin: unknown. Affected: yes. Study: The Canadian Open Genetics Repository (COGR). Not counted in ClinVar's aggregate classification.
Comment: The MUTYH p.Tyr179Cys variant was identified in 878 of 42,504 proband chromosomes (frequency: 0.03) from individuals or families with MAP or colorectal cancer (CRC). Of these 292 were heterozygous carriers, 99 were homozygous and 487 were compound heterozygotes. The variant was present in 156 of 31,262 control chromosomes (frequency: 0.005) from healthy individuals (Al-Tassan 2002, Nielsen 2009, Nascimbeni 2010, Theodoratou 2010, Vogt 2009, Sieber 2003). The variant was also identified in dbSNP (ID: rs34612342) as With Pathogenic allele, ClinVar (classified as pathogenic by GeneDx, Invitae, Ambry Genetics, Color Genomics, Pathway Genomics and more), Clinvitae (classified as pathogenic by ClinVar and Invitae), Cosmic (pathogenic), and in Insight Colon Cancer Gene Variant Database (535x pathogenic). The variant was not identified in MutDB, or UMD-LSDB databases. The variant was identified in control databases in 412 of 277178 chromosomes at a frequency of 0.001486 (Genome Aggregation Consortium Feb 27, 2017). The p.Tyr179 residue is conserved in mammals but not in more distantly related organisms, and computational analyses (PolyPhen-2, SIFT, AlignGVGD, BLOSUM, MutationTaster) suggest that the variant may impact the protein; however, this information is not predictive enough to assume pathogenicity. The variant occurs outside of the splicing consensus sequence and in silico or computational prediction software programs (SpliceSiteFinder, MaxEntScan, NNSPLICE, GeneSplicer, HumanSpliceFinder) do not predict a difference in splicing. In a meta-analysis study (Theodoratou 2010), to assess and refine CRC risk estimates associated with bi-allelic and mono-allelic MUTYH variants, MUTYH bi-allelic carriers demonstrated a 28-fold increase in CRC risk. Significant bi-allelic effects were also observed for G396D and Y179C/G396D compound heterozygotes and a marginal mono-allelic effect for variant Y179C. In summary, based on the above information, this variant meets our laboratoryâ€šÃ„Ã´s criteria to be classified as pathogenic.

Diagnostic Laboratory, Department of Genetics, University Medical Center Groningen
Classification: Pathogenic. Review status: no assertion criteria provided. Collection method: clinical testing. Allele origin: germline. Affected: yes. Study: VKGL Data-share Consensus. Not counted in ClinVar's aggregate classification.

GeneReviews
No classification provided. Condition: Familial adenomatous polyposis 2. Review status: no classification provided. Collection method: literature only. Allele origin: germline. Not counted in ClinVar's aggregate classification.
Comment: Common pathogenic variants carried by approximately 1%-2% of the general population that account for ≥90% of all MUTYH pathogenic variants in northern European populations; ≤70% of persons with MUTYH-Associated Polyposis (MAP) harbor at least 1 of these variants, 536A>G or 1187G>A

Genome Diagnostics Laboratory, Amsterdam University Medical Center
Classification: Pathogenic. Review status: no assertion criteria provided. Collection method: clinical testing. Allele origin: germline. Affected: yes. Study: VKGL Data-share Consensus. Not counted in ClinVar's aggregate classification.

Genome Diagnostics Laboratory, University Medical Center Utrecht
Classification: Pathogenic. Review status: no assertion criteria provided. Collection method: clinical testing. Allele origin: germline. Affected: yes. Study: VKGL Data-share Consensus. Not counted in ClinVar's aggregate classification.